The following is an entry in ClinVar:

NM_003036.4(SKI):c.2064G>C (p.Leu688=)

Gene: SKI (SKI proto-oncogene; plus strand). Cytogenetic location: 1p36.32.
Variant type: single nucleotide variant.
Coding change: c.2064G>C on transcript NM_003036.4 (MANE Select); coding-DNA position 2064, G replaced by C.
Protein change: p.Leu688=; no amino-acid change (leucine 688 retained).
Molecular consequence: synonymous variant.
Genome position (GRCh38, 1-based): chr1:2,306,642, G>C. VCF-style: chr1-2306642-G-C. GRCh37 (hg19) VCF-style: chr1-2238081-G-C.
Identifiers: ClinVar variation 386021 (VCV000386021.3), dbSNP rs1057522396, ClinGen allele CA16603525.

ClinVar aggregate classification (germline): Likely benign. Review status: criteria provided, multiple submitters, no conflicts (2 of 4 stars). 2 submissions from 2 submitters: Likely benign (2). Last evaluated 2021-08-10.

Conditions:
Familial thoracic aortic aneurysm and aortic dissection (TAAD). Also called: Thoracic aortic aneurysms and dissections. Identifiers: Orphanet 91387, MedGen C4707243, MONDO:0019625.

Allele frequency attached by ClinVar (database versions not stated): gnomAD exomes below 0.00001.
gnomAD v4.1: 3 of 1,545,028 alleles (0.00019%); highest among the groups gnomAD compares: South Asian, 0.0012%; no homozygotes.

Submissions (2):

Ambry Genetics
Classification: Likely benign for Familial thoracic aortic aneurysm and aortic dissection. Last evaluated: 2021-08-10. Review status: criteria provided, single submitter. Criteria: Ambry Variant Classification Scheme 2023. Collection method: clinical testing. Allele origin: germline.

GeneDx
Classification: Likely benign. Last evaluated: 2016-05-05. Review status: criteria provided, single submitter. Criteria: GeneDx Variant Classification (06012015). Collection method: clinical testing. Allele origin: germline. Affected: yes.
Comment: This variant is considered likely benign or benign based on one or more of the following criteria: it is a conservative change, it occurs at a poorly conserved position in the protein, it is predicted to be benign by multiple in silico algorithms, and/or has population frequency not consistent with disease.